The following is an entry in ClinVar:

ClinVar aggregate classification (germline): Uncertain significance (1 of 4 stars; one submission).

Submission:

CeGaT Center for Human Genetics Tuebingen
Classification: Uncertain significance. Last evaluated: 2024-08-01. Review status: criteria provided, single submitter. Criteria: CeGaT Center For Human Genetics Tuebingen Variant Classification Criteria Version 2. Collection method: clinical testing. Allele origin: germline. Affected: yes. Observed: 1 variant allele.
Comment: NOTCH3: PM2, PM4

NM_000435.3(NOTCH3):c.4483_4503dup (p.Ala1501_Ser1502insTrpAspGlyLeuAspCysAla)

Gene: NOTCH3 (notch receptor 3; minus strand). Cytogenetic location: 19p13.12.
Variant type: Duplication.
Coding change: c.4483_4503dup on transcript NM_000435.3 (MANE Select); coding-DNA positions 4483 to 4503, 21 bases duplicated (TGGGATGGGCTGGATTGTGCC).
Protein change: p.Ala1501_Ser1502insTrpAspGlyLeuAspCysAla.
Molecular consequence: inframe insertion.
Genome position (GRCh38, 1-based): chr19:15,174,301-15,174,321, GGCACAATCCAGCCCATCCCA duplicated on the plus strand (TGGGATGGGCTGGATTGTGCC on the coding strand, the reverse complement: NOTCH3 is on the minus strand); duplicating any 21 consecutive bases within chr19:15,174,301-15,174,322 gives the same sequence; the c. name uses the placement nearest the transcript's 3' end. VCF-style (leftmost placement, unchanged base first): chr19-15174300-T-TGGCACAATCCAGCCCATCCCA. GRCh37 (hg19) VCF-style: chr19-15285111-T-TGGCACAATCCAGCCCATCCCA.
Identifiers: ClinVar variation 3342147 (VCV003342147.16).